The following is an entry in ClinVar:

NM_000152.5(GAA):c.98A>G (p.His33Arg)

Gene: GAA (alpha glucosidase; plus strand). Cytogenetic location: 17q25.3.
Variant type: single nucleotide variant.
Coding change: c.98A>G on transcript NM_000152.5 (MANE Select); coding-DNA position 98, A replaced by G.
Protein change: p.His33Arg; replaces histidine 33 with arginine.
Molecular consequence: missense variant.
Genome position (GRCh38, 1-based): chr17:80,104,684, A>G. VCF-style: chr17-80104684-A-G. GRCh37 (hg19) VCF-style: chr17-78078483-A-G.
Other names: c.98A>G, p.His33Arg (NM_001079803.3, NM_001079804.3); short protein forms H33R.
Identifiers: ClinVar variation 1382368 (VCV001382368.7), dbSNP rs773479616, ClinGen allele CA8814786.

ClinVar aggregate classification (germline): Uncertain significance. Review status: criteria provided, multiple submitters, no conflicts (2 of 4 stars). 2 submissions from 2 submitters: Uncertain significance (2). Last evaluated 2025-12-01.

Conditions:
Glycogen storage disease, type II (IOPD). Also called: CARDIOMEGALIA GLYCOGENICA DIFFUSA; GLYCOGENOSIS, GENERALIZED, CARDIAC FORM; Glucosidase acid-1,4-alpha deficiency; Pompe Disease; Glycogen storage disease type 2; Acid maltase deficiency disease. Identifiers: Orphanet 365, MedGen C0017921, MONDO:0009290, OMIM 232300.

Allele frequency attached by ClinVar (database versions not stated): gnomAD exomes below 0.00001; ExAC 0.00001.
gnomAD v4.1: 8 of 1,613,200 alleles (0.0005%); highest among the groups gnomAD compares: South Asian, 0.0011%; no homozygotes.

Submissions (2):

Labcorp Genetics (formerly Invitae), Labcorp
Classification: Uncertain significance for Glycogen storage disease, type II. Last evaluated: 2025-12-01. Review status: criteria provided, single submitter. Criteria: Invitae Variant Classification Sherloc (09022015). Collection method: clinical testing. Allele origin: germline.
Comment: This sequence change replaces histidine, which is basic and polar, with arginine, which is basic and polar, at codon 33 of the GAA protein (p.His33Arg). This variant is present in population databases (rs773479616, gnomAD 0.0009%). This variant has not been reported in the literature in individuals affected with GAA-related conditions. ClinVar contains an entry for this variant (Variation ID: 1382368). Invitae Evidence Modeling of protein sequence and biophysical properties (such as structural, functional, and spatial information, amino acid conservation, physicochemical variation, residue mobility, and thermodynamic stability) indicates that this missense variant is not expected to disrupt GAA protein function with a negative predictive value of 95%. In summary, the available evidence is currently insufficient to determine the role of this variant in disease. Therefore, it has been classified as a Variant of Uncertain Significance.

Blueprint Genetics
Classification: Uncertain significance. Last evaluated: 2024-10-04. Review status: criteria provided, single submitter. Criteria: ACMG Guidelines, 2015. Collection method: clinical testing. Allele origin: germline.